The following is an entry in ClinVar:

NM_005477.3(HCN4):c.1210-216G>T

Gene: HCN4 (hyperpolarization activated cyclic nucleotide gated potassium channel 4; minus strand). Cytogenetic location: 15q24.1.
Variant type: single nucleotide variant.
Coding change: c.1210-216G>T on transcript NM_005477.3 (MANE Select); 216 bases into the intron before coding-DNA position 1210, G replaced by T.
Molecular consequence: intron variant.
Genome position (GRCh38, 1-based): chr15:73,332,508, C>A on the plus strand (G>T on the coding strand, the complement: HCN4 is on the minus strand). VCF-style: chr15-73332508-C-A. GRCh37 (hg19) VCF-style: chr15-73624849-C-A.
Identifiers: ClinVar variation 672398 (VCV000672398.1), dbSNP rs76789737, ClinGen allele CA14148373.

ClinVar aggregate classification (germline): Benign (1 of 4 stars; one submission).

Allele frequency attached by ClinVar (database versions not stated): 1000 Genomes Project 0.20687; 1000 Genomes Project 30x 0.20753; TOPMed 0.28453; gnomAD 0.28580 and 0.28670.
gnomAD v4.1: 43,687 of 152,076 alleles (29%); highest among the groups gnomAD compares: Non-Finnish European, 41%; 7,958 homozygotes.

Submission:

GeneDx
Classification: Benign. Last evaluated: 2018-06-18. Review status: criteria provided, single submitter. Criteria: GeneDx Variant Classification (06012015). Collection method: clinical testing. Allele origin: germline. Affected: yes.
Comment: This variant is considered likely benign or benign based on one or more of the following criteria: it is a conservative change, it occurs at a poorly conserved position in the protein, it is predicted to be benign by multiple in silico algorithms, and/or has population frequency not consistent with disease.